The following is an entry in ClinVar:

NM_001042492.3(NF1):c.6858_6859del (p.Asn2286fs)

Gene: NF1 (neurofibromin 1; plus strand). Cytogenetic location: 17q11.2.
Variant type: Deletion.
Coding change: c.6858_6859del on transcript NM_001042492.3 (MANE Select); coding-DNA positions 6858 to 6859, 2 bases deleted (CA; older notation c.6858_6859delCA).
Protein change: p.Asn2286fs; shifts the reading frame from asparagine 2286.
Molecular consequence: frameshift variant.
Genome position (GRCh38, 1-based): chr17:31,338,742-31,338,743, CA deleted; deleting any 2 consecutive bases within chr17:31,338,741-31,338,743 gives the same sequence; the c. name uses the placement nearest the transcript's 3' end. VCF-style (leftmost placement, unchanged base first): chr17-31338740-AAC-A. GRCh37 (hg19) VCF-style: chr17-29665758-AAC-A.
Other names: c.6795_6796delCA (NM_000267.3); c.6795_6796delCA, p.Asn2265Lysfs (NM_000267.4); short protein forms N2265fs, N2286fs.
Identifiers: ClinVar variation 484074 (VCV000484074.5), dbSNP rs1555535044, ClinGen allele CA658658592.

ClinVar aggregate classification (germline): Pathogenic (1 of 4 stars; one submission).

Conditions:
Cardiovascular phenotype. Identifiers: MedGen CN230736.
Hereditary cancer-predisposing syndrome. Also called: Neoplastic Syndromes, Hereditary; Tumor predisposition; Hereditary Cancer Syndrome; Hereditary neoplastic syndrome. Identifiers: Orphanet 140162, MedGen C0027672, MeSH D009386, MONDO:0015356.

Submission:

Ambry Genetics
Classification: Pathogenic for Cardiovascular phenotype; Hereditary cancer-predisposing syndrome. Last evaluated: 2016-11-14. Review status: criteria provided, single submitter. Criteria: Ambry Variant Classification Scheme 2023. Collection method: clinical testing. Allele origin: germline.
Comment: The c.6795_6796delCA pathogenic mutation, located in coding exon 45 of the NF1 gene, results from a deletion of two nucleotides at positions 6795 to 6796, causing a translational frameshift with a predicted alternate stop codon. This alteration is expected to result in loss of function by premature protein truncation or nonsense-mediated mRNA decay. As such, this alteration is interpreted as a disease-causing mutation.